The following is an entry in ClinVar:

NM_001256789.3(CACNA1F):c.3908G>A (p.Arg1303His)

Gene: CACNA1F (calcium voltage-gated channel subunit alpha1 F; minus strand). Cytogenetic location: Xp11.23.
Variant type: single nucleotide variant.
Coding change: c.3908G>A on transcript NM_001256789.3 (MANE Select); coding-DNA position 3908, G replaced by A.
Protein change: p.Arg1303His; replaces arginine 1303 with histidine.
Molecular consequence: missense variant.
Genome position (GRCh38, 1-based): chrX:49,212,701, C>T on the plus strand (G>A on the coding strand, the complement: CACNA1F is on the minus strand). VCF-style: chrX-49212701-C-T. GRCh37 (hg19) VCF-style: chrX-49069161-C-T.
Other names: c.3746G>A, p.Arg1249His (NM_001256790.3); c.3941G>A, p.Arg1314His (NM_005183.4); short protein forms R1303H, R1249H, R1314H.
Identifiers: ClinVar variation 4750750 (VCV004750750.1).

ClinVar aggregate classification (germline): Uncertain significance (1 of 4 stars; one submission).

gnomAD v4.1: 4 of 1,208,090 alleles (0.00033%); highest among the groups gnomAD compares: Non-Finnish European, 0.00022%; no homozygotes.

Submission:

Labcorp Genetics (formerly Invitae), Labcorp
Classification: Uncertain significance. Last evaluated: 2026-01-06. Review status: criteria provided, single submitter. Criteria: Invitae Variant Classification Sherloc (09022015). Collection method: clinical testing. Allele origin: germline.
Comment: This sequence change replaces arginine, which is basic and polar, with histidine, which is basic and polar, at codon 1314 of the CACNA1F protein (p.Arg1314His). The frequency data for this variant in the population databases is considered unreliable, as metrics indicate poor data quality at this position in the gnomAD database. This variant has not been reported in the literature in individuals affected with CACNA1F-related conditions. Invitae Evidence Modeling of protein sequence and biophysical properties (such as structural, functional, and spatial information, amino acid conservation, physicochemical variation, residue mobility, and thermodynamic stability) indicates that this missense variant is expected to disrupt CACNA1F protein function with a positive predictive value of 80%. In summary, the available evidence is currently insufficient to determine the role of this variant in disease. Therefore, it has been classified as a Variant of Uncertain Significance.